The following is an entry in ClinVar:

NM_001987.5(ETV6):c.41G>T (p.Arg14Leu)

Gene: ETV6 (ETS variant transcription factor 6; plus strand). Cytogenetic location: 12p13.2.
Variant type: single nucleotide variant.
Coding change: c.41G>T on transcript NM_001987.5 (MANE Select); coding-DNA position 41, G replaced by T.
Protein change: p.Arg14Leu; replaces arginine 14 with leucine.
Molecular consequence: missense variant. On other transcripts: intron variant (1).
Genome position (GRCh38, 1-based): chr12:11,752,457, G>T. VCF-style: chr12-11752457-G-T. GRCh37 (hg19) VCF-style: chr12-11905391-G-T.
Other names: c.38G>T, p.Arg13Leu (NM_001413913.1); c.14G>T, p.Arg5Leu (NM_001413914.1); c.41G>T, p.Arg14Leu (NM_001413916.1, NM_001413917.1, NM_001413918.1); c.-101-86683G>T (NM_001413915.1); short protein forms R14L, R5L, R13L.
Identifiers: ClinVar variation 2761695 (VCV002761695.3), dbSNP rs781494988, ClinGen allele CA6454097.

ClinVar aggregate classification (germline): Uncertain significance (1 of 4 stars; one submission).

gnomAD v4.1: 1 of 1,609,808 alleles (0.000062%); no homozygotes.

Submission:

Labcorp Genetics (formerly Invitae), Labcorp
Classification: Uncertain significance. Last evaluated: 2023-09-19. Review status: criteria provided, single submitter. Criteria: Invitae Variant Classification Sherloc (09022015). Collection method: clinical testing. Allele origin: germline.
Comment: An algorithm developed to predict the effect of missense changes on protein structure and function (PolyPhen-2) suggests that this variant is likely to be tolerated. This variant has not been reported in the literature in individuals affected with ETV6-related conditions. This variant is present in population databases (rs781494988, gnomAD 0.005%). This sequence change replaces arginine, which is basic and polar, with leucine, which is neutral and non-polar, at codon 14 of the ETV6 protein (p.Arg14Leu). In summary, the available evidence is currently insufficient to determine the role of this variant in disease. Therefore, it has been classified as a Variant of Uncertain Significance. Algorithms developed to predict the effect of sequence changes on RNA splicing suggest that this variant may disrupt the consensus splice site.